The following is an entry in ClinVar:

NM_001379286.1(ZNF423):c.2783G>A (p.Arg928His)

Gene: ZNF423 (zinc finger protein 423; minus strand). Cytogenetic location: 16q12.1.
Variant type: single nucleotide variant.
Coding change: c.2783G>A on transcript NM_001379286.1 (MANE Select); coding-DNA position 2783, G replaced by A.
Protein change: p.Arg928His; replaces arginine 928 with histidine.
Molecular consequence: missense variant.
Genome position (GRCh38, 1-based): chr16:49,636,393, C>T on the plus strand (G>A on the coding strand, the complement: ZNF423 is on the minus strand). VCF-style: chr16-49636393-C-T. GRCh37 (hg19) VCF-style: chr16-49670304-C-T.
Other names: c.2759G>A (NM_015069.2); c.2579G>A, p.Arg860His (NM_001271620.2); c.2408G>A, p.Arg803His (NM_001330533.2); c.2759G>A, p.Arg920His (NM_015069.5); short protein forms R920H, R928H, R803H, R860H.
Identifiers: ClinVar variation 1461042 (VCV001461042.7), dbSNP rs746868124, ClinGen allele CA8046427.

ClinVar aggregate classification (germline): Uncertain significance. Review status: criteria provided, multiple submitters, no conflicts (2 of 4 stars). 2 submissions from 2 submitters: Uncertain significance (2). Last evaluated 2024-12-06.

Conditions:
Nephronophthisis 14 (NPHP14). Identifiers: Orphanet 2318, MedGen C3539071, MONDO:0013916, OMIM 614844.

gnomAD v4.1: 17 of 1,613,214 alleles (0.0011%); highest among the groups gnomAD compares: South Asian, 0.0088%; no homozygotes.

Submissions (2):

Ambry Genetics
Classification: Uncertain significance. Last evaluated: 2024-12-06. Review status: criteria provided, single submitter. Criteria: Ambry Variant Classification Scheme 2023. Collection method: clinical testing. Allele origin: germline.

Labcorp Genetics (formerly Invitae), Labcorp
Classification: Uncertain significance for Nephronophthisis 14. Last evaluated: 2022-08-16. Review status: criteria provided, single submitter. Criteria: Invitae Variant Classification Sherloc (09022015). Collection method: clinical testing. Allele origin: germline.
Comment: ClinVar contains an entry for this variant (Variation ID: 1461042). In summary, the available evidence is currently insufficient to determine the role of this variant in disease. Therefore, it has been classified as a Variant of Uncertain Significance. Algorithms developed to predict the effect of missense changes on protein structure and function are either unavailable or do not agree on the potential impact of this missense change (SIFT: "Deleterious"; PolyPhen-2: "Benign"; Align-GVGD: "Class C0"). This variant has not been reported in the literature in individuals affected with ZNF423-related conditions. This variant is present in population databases (rs746868124, gnomAD 0.01%). This sequence change replaces arginine, which is basic and polar, with histidine, which is basic and polar, at codon 920 of the ZNF423 protein (p.Arg920His).